The following is an entry in ClinVar:

ClinVar aggregate classification (germline): Benign (1 of 4 stars; one submission).

Conditions:
Familial cancer of breast. Also called: hereditary breast carcinoma; BREAST CANCER, FAMILIAL; Hereditary breast cancer. Identifiers: Orphanet 227535, MedGen C0346153, MONDO:0016419, OMIM 114480. Disease mechanism: loss of function.

Submission:

Myriad Genetics, Inc.
Classification: Benign for Familial cancer of breast. Last evaluated: 2024-06-20. Review status: criteria provided, single submitter. Criteria: Myriad Autosomal Dominant, Autosomal Recessive and X-Linked Classification Criteria (2023). Collection method: clinical testing. Allele origin: unknown.
Comment: This variant is considered benign. This variant is a silent/synonymous amino acid change and it is not expected to impact splicing.

NM_000051.4(ATM):c.8709T>G (p.Pro2903=)

Genes: ATM (ATM serine/threonine kinase; plus strand), C11orf65 (chromosome 11 open reading frame 65; minus strand). Cytogenetic location: 11q22.3.
Variant type: single nucleotide variant.
Coding change: c.8709T>G on transcript NM_000051.4 (MANE Select); coding-DNA position 8709, T replaced by G.
Protein change: p.Pro2903=; no amino-acid change (proline 2903 retained).
Molecular consequence: synonymous variant. On other transcripts: intron variant (2).
Genome position (GRCh38, 1-based): chr11:108,353,803, T>G. VCF-style: chr11-108353803-T-G. GRCh37 (hg19) VCF-style: chr11-108224530-T-G.
Other names: c.8709T>G, p.Pro2903= (NM_001351834.2); c.640+32117A>C (NM_001330368.2); c.695-18511A>C (NM_001351110.2).
Identifiers: ClinVar variation 3253936 (VCV003253936.1), dbSNP rs773208089.
Genomic context (GRCh38, chr11:108,353,803, plus strand): 5'-CTTCACTGTATTCTTTACTTTAGGTGTTGCTTTTGAACAGGGCAAAATCCTTCCTACTCC[T>G]GAGACAGTTCCTTTTAGACTCACCAGAGATATTGTGGATGGCATGGGCATTACGGGTGTT-3'
Protein context (NP_000042.3, residues 2893-2913): AFEQGKILPT[Pro2903=]ETVPFRLTRD